The following is an entry in ClinVar:

ClinVar aggregate classification (germline): Likely benign. Review status: criteria provided, single submitter (1 of 4 stars). 2 submissions from 2 submitters: Likely benign (1). 1 of the submissions does not count toward it. Last evaluated 2024-10-02.

Conditions:
IFT172-related disorder. Also called: IFT172-related disorders; IFT172-related condition.
Short-rib thoracic dysplasia 10 with or without polydactyly (SRTD10). Identifiers: Orphanet 474, MedGen C3810175, MONDO:0014284, OMIM 615630.
Retinitis pigmentosa 71 (RP71). Identifiers: Orphanet 791, MedGen C4225342, MONDO:0014618, OMIM 616394.

Submissions (2):

Labcorp Genetics (formerly Invitae), Labcorp
Classification: Likely benign for Retinitis pigmentosa 71; Short-rib thoracic dysplasia 10 with or without polydactyly. Last evaluated: 2024-10-02. Review status: criteria provided, single submitter. Criteria: Invitae Variant Classification Sherloc (09022015). Collection method: clinical testing. Allele origin: germline.

PreventionGenetics, part of Exact Sciences
Classification: Likely benign for IFT172-related condition. Last evaluated: 2023-07-26. Review status: no assertion criteria provided. Collection method: clinical testing. Allele origin: germline. Not counted in ClinVar's aggregate classification.
Comment: This variant is classified as likely benign based on ACMG/AMP sequence variant interpretation guidelines (Richards et al. 2015 PMID: 25741868, with internal and published modifications).

NM_015662.3(IFT172):c.4260G>C (p.Leu1420=)

Gene: IFT172 (intraflagellar transport 172; minus strand). Cytogenetic location: 2p23.3.
Variant type: single nucleotide variant.
Coding change: c.4260G>C on transcript NM_015662.3 (MANE Select); coding-DNA position 4260, G replaced by C.
Protein change: p.Leu1420=; no amino-acid change (leucine 1420 retained).
Molecular consequence: synonymous variant.
Genome position (GRCh38, 1-based): chr2:27,449,345, C>G on the plus strand (G>C on the coding strand, the complement: IFT172 is on the minus strand). VCF-style: chr2-27449345-C-G. GRCh37 (hg19) VCF-style: chr2-27672212-C-G.
Other names: c.4194G>C, p.Leu1398= (NM_001410739.1).
Identifiers: ClinVar variation 3054817 (VCV003054817.4), dbSNP rs1213548321, ClinGen allele CA425415325.